The following is an entry in ClinVar:

ClinVar aggregate classification (germline): Uncertain significance (1 of 4 stars; one submission).

Allele frequency attached by ClinVar (database versions not stated): gnomAD exomes 0.00001; TOPMed 0.00001; ExAC 0.00002.
gnomAD v4.1: 3 of 1,614,068 alleles (0.00019%); highest among the groups gnomAD compares: Non-Finnish European, 0.00025%; no homozygotes.

Submission:

Labcorp Genetics (formerly Invitae), Labcorp
Classification: Uncertain significance. Last evaluated: 2022-07-12. Review status: criteria provided, single submitter. Criteria: Invitae Variant Classification Sherloc (09022015). Collection method: clinical testing. Allele origin: germline.
Comment: In summary, the available evidence is currently insufficient to determine the role of this variant in disease. Therefore, it has been classified as a Variant of Uncertain Significance. Algorithms developed to predict the effect of missense changes on protein structure and function (SIFT, PolyPhen-2, Align-GVGD) all suggest that this variant is likely to be tolerated. This variant has not been reported in the literature in individuals affected with ADGRA3-related conditions. This variant is present in population databases (rs767710429, gnomAD 0.003%). This sequence change replaces alanine, which is neutral and non-polar, with valine, which is neutral and non-polar, at codon 564 of the ADGRA3 protein (p.Ala564Val).

NM_145290.4(ADGRA3):c.1691C>T (p.Ala564Val)

Gene: ADGRA3 (adhesion G protein-coupled receptor A3; minus strand). Cytogenetic location: 4p15.2.
Variant type: single nucleotide variant.
Coding change: c.1691C>T on transcript NM_145290.4 (MANE Select); coding-DNA position 1691, C replaced by T.
Protein change: p.Ala564Val; replaces alanine 564 with valine.
Molecular consequence: missense variant.
Genome position (GRCh38, 1-based): chr4:22,421,004, G>A on the plus strand (C>T on the coding strand, the complement: ADGRA3 is on the minus strand). VCF-style: chr4-22421004-G-A. GRCh37 (hg19) VCF-style: chr4-22422627-G-A.
Other names: short protein forms A564V.
Identifiers: ClinVar variation 2093184 (VCV002093184.4), dbSNP rs767710429, ClinGen allele CA2873870.